The following is an entry in ClinVar:

NM_207034.3(EDN3):c.251_254delinsAGGG (p.Ala84_Ala85delinsGluGly)

Gene: EDN3 (endothelin 3; plus strand). Cytogenetic location: 20q13.32.
Variant type: Indel.
Coding change: c.251_254delinsAGGG on transcript NM_207034.3 (MANE Select); coding-DNA positions 251 to 254, CGGC replaced by AGGG.
Protein change: p.Ala84_Ala85delinsGluGly.
Molecular consequence: missense variant.
Genome position (GRCh38, 1-based): chr20:59,301,608-59,301,611, CGGC replaced by AGGG. VCF-style: chr20-59301608-CGGC-AGGG. GRCh37 (hg19) VCF-style: chr20-57876663-CGGC-AGGG.
Other names: c.251_254delinsAGGG, p.Ala84_Ala85delinsGluGly (NM_001302455.2, NM_001302456.2, NM_207032.3 and 1 more transcripts); c.251_254delCGGCinsAGGG (NM_207034.1).
Identifiers: ClinVar variation 1173028 (VCV001173028.5), dbSNP rs2146814914, ClinGen allele CA2499225787.

ClinVar aggregate classification (germline): Uncertain significance (1 of 4 stars; one submission).

Submission:

GeneDx
Classification: Uncertain significance. Last evaluated: 2026-08-25. Review status: criteria provided, single submitter. Criteria: GeneDx Variant Classification Process June 2021. Collection method: clinical testing. Allele origin: germline.
Comment: In silico analysis suggests that this variant does not alter protein structure/function; Has not been previously published as pathogenic or benign to our knowledge